The following is an entry in ClinVar:

NM_000126.4(ETFA):c.322A>G (p.Ile108Val)

Gene: ETFA (electron transfer flavoprotein subunit alpha; minus strand). Cytogenetic location: 15q24.2.
Variant type: single nucleotide variant.
Coding change: c.322A>G on transcript NM_000126.4 (MANE Select); coding-DNA position 322, A replaced by G.
Protein change: p.Ile108Val; replaces isoleucine 108 with valine.
Molecular consequence: missense variant.
Genome position (GRCh38, 1-based): chr15:76,292,460, T>C on the plus strand (A>G on the coding strand, the complement: ETFA is on the minus strand). VCF-style: chr15-76292460-T-C. GRCh37 (hg19) VCF-style: chr15-76584801-T-C.
Other names: c.175A>G, p.Ile59Val (NM_001127716.2); short protein forms I108V, I59V.
Identifiers: ClinVar variation 1800683 (VCV001800683.2), dbSNP rs759821353, ClinGen allele CA7673799.

ClinVar aggregate classification (germline): Uncertain significance. Review status: criteria provided, single submitter (1 of 4 stars). 2 submissions from 2 submitters: Uncertain significance (1). 1 of the submissions does not count toward it. Last evaluated 2022-05-19.

Conditions:
Glutaric acidemia type 2A.

Allele frequency attached by ClinVar (database versions not stated): TOPMed below 0.00001; ExAC 0.00001; gnomAD exomes 0.00002.
gnomAD v4.1: 25 of 1,613,724 alleles (0.0015%); highest among the groups gnomAD compares: Non-Finnish European, 0.0021%; no homozygotes.

Submissions (2):

GeneDx
Classification: Uncertain significance. Last evaluated: 2022-05-19. Review status: criteria provided, single submitter. Criteria: GeneDx Variant Classification Process June 2021. Collection method: clinical testing. Allele origin: germline. Affected: yes.
Comment: Not observed at significant frequency in large population cohorts (gnomAD); In silico analysis supports that this missense variant does not alter protein structure/function; Has not been previously published as pathogenic or benign to our knowledge

Natera, Inc.
Classification: Uncertain significance for Glutaric acidemia type 2A. Last evaluated: 2025-04-04. Review status: no assertion criteria provided. Collection method: clinical testing. Allele origin: germline. Not counted in ClinVar's aggregate classification.